The following is an entry in ClinVar:

NM_006393.3(NEBL):c.2563G>T (p.Asp855Tyr)

Gene: NEBL (nebulette; minus strand). Cytogenetic location: 10p12.31.
Variant type: single nucleotide variant.
Coding change: c.2563G>T on transcript NM_006393.3 (MANE Select); coding-DNA position 2563, G replaced by T.
Protein change: p.Asp855Tyr; replaces aspartic acid 855 with tyrosine.
Molecular consequence: missense variant. On other transcripts: intron variant (8).
Genome position (GRCh38, 1-based): chr10:20,809,854, C>A on the plus strand (G>T on the coding strand, the complement: NEBL is on the minus strand). VCF-style: chr10-20809854-C-A. GRCh37 (hg19) VCF-style: chr10-21098783-C-A.
Other names: c.574G>T, p.Asp192Tyr (NM_001377322.1); c.421+2915G>T (NM_001377326.1, NM_001377327.1, NM_001377328.1); c.529+2915G>T (NM_213569.2, NM_001173484.2); c.472+2915G>T (NM_001377324.1); c.463+2915G>T (NM_001377325.1); c.481+2915G>T (NM_001377323.1); short protein forms D192Y, D855Y.
Identifiers: ClinVar variation 1793143 (VCV001793143.2), dbSNP rs1354870289, ClinGen allele CA376093063.

ClinVar aggregate classification (germline): Uncertain significance (1 of 4 stars; one submission).

Allele frequency attached by ClinVar (database versions not stated): gnomAD exomes below 0.00001; gnomAD 0.00001.
gnomAD v4.1: 2 of 1,608,906 alleles (0.00012%); highest among the groups gnomAD compares: East Asian, 0.0045%; no homozygotes.

Submission:

Ambry Genetics
Classification: Uncertain significance. Last evaluated: 2021-12-29. Review status: criteria provided, single submitter. Criteria: Ambry Variant Classification Scheme 2023. Collection method: clinical testing. Allele origin: germline.
Comment: The p.D855Y variant (also known as c.2563G>T), located in coding exon 25 of the NEBL gene, results from a G to T substitution at nucleotide position 2563. The aspartic acid at codon 855 is replaced by tyrosine, an amino acid with highly dissimilar properties. This amino acid position is conserved. In addition, the in silico prediction for this alteration is inconclusive. Since supporting evidence is limited at this time, the clinical significance of this alteration remains unclear.